The following is an entry in ClinVar:

NM_016252.4(BIRC6):c.8469-23TC[10]

Gene: BIRC6 (baculoviral IAP repeat containing 6; plus strand). Cytogenetic location: 2p22.3.
Variant type: Microsatellite.
Coding change: c.8469-23TC[10] on transcript NM_016252.4 (MANE Select); ten copies in a row of the 2-base unit TC starting at c.8469-23.
Molecular consequence: intron variant.
Genome position: GRCh38 VCF-style: chr2-32499523-G-GTC. GRCh37 (hg19) VCF-style: chr2-32724590-G-GTC.
Other names: c.8466-23TC[10] (NM_001378125.1).
Identifiers: ClinVar variation 3038038 (VCV003038038.2), dbSNP rs145668508, ClinGen allele CA1604353.
Genomic context (GRCh38, chr2:32,499,523, plus strand): 5'-TAAAATCGTTTAATTTTTAATCCTTTCTCTTGTTGTATCTCTCTCTCTCTCTCTTTTTCT[G>GTC]TCTCTCTCTCTCTCTCTCTGCAGGGGTGCTTTCCAGACAGGCCAAGGACCTCTCGATGCC-3'

ClinVar aggregate classification (germline): Benign (0 of 4 stars; one submission).

Conditions:
BIRC6-related disorder. Also called: BIRC6-related condition.

Submission:

PreventionGenetics, part of Exact Sciences
Classification: Benign for BIRC6-related condition. Last evaluated: 2019-02-18. Review status: no assertion criteria provided. Collection method: clinical testing. Allele origin: germline.
Comment: This variant is classified as benign based on ACMG/AMP sequence variant interpretation guidelines (Richards et al. 2015 PMID: 25741868, with internal and published modifications).